The following is an entry in ClinVar:

NM_001267550.2(TTN):c.62090G>A (p.Gly20697Asp)

Genes: TTN (titin; minus strand), TTN-AS1 (TTN antisense RNA 1; plus strand). Cytogenetic location: 2q31.2.
Variant type: single nucleotide variant.
Coding change: c.62090G>A on transcript NM_001267550.2 (MANE Select); coding-DNA position 62090, G replaced by A.
Protein change: p.Gly20697Asp; replaces glycine 20697 with aspartic acid.
Molecular consequence: missense variant.
Genome position (GRCh38, 1-based): chr2:178,589,635, C>T on the plus strand (G>A on the coding strand, the complement: TTN is on the minus strand). VCF-style: chr2-178589635-C-T. GRCh37 (hg19) VCF-style: chr2-179454362-C-T.
Other names: c.57167G>A, p.Gly19056Asp (NM_001256850.1); c.34895G>A, p.Gly11632Asp (NM_003319.4); c.54386G>A, p.Gly18129Asp (NM_133378.4); c.35270G>A, p.Gly11757Asp (NM_133432.3); c.35471G>A, p.Gly11824Asp (NM_133437.4); short protein forms G11632D, G11757D, G11824D, G18129D, G19056D, G20697D.
Identifiers: ClinVar variation 4085936 (VCV004085936.8).

ClinVar aggregate classification (germline): Uncertain significance (1 of 4 stars; one submission).

Submission:

CeGaT Center for Human Genetics Tuebingen
Classification: Uncertain significance. Last evaluated: 2025-08-01. Review status: criteria provided, single submitter. Criteria: CeGaT Center For Human Genetics Tuebingen Variant Classification Criteria Version 2. Collection method: clinical testing. Allele origin: germline. Affected: yes. Observed: 1 variant allele.
Comment: TTN: PM2, PP3